The following is an entry in ClinVar:

NM_002618.4(PEX13):c.1070A>G (p.Asn357Ser)

Gene: PEX13 (peroxisomal biogenesis factor 13; plus strand). Cytogenetic location: 2p15.
Variant type: single nucleotide variant.
Coding change: c.1070A>G on transcript NM_002618.4 (MANE Select); coding-DNA position 1070, A replaced by G.
Protein change: p.Asn357Ser; replaces asparagine 357 with serine.
Molecular consequence: missense variant.
Genome position (GRCh38, 1-based): chr2:61,048,628, A>G. VCF-style: chr2-61048628-A-G. GRCh37 (hg19) VCF-style: chr2-61275763-A-G.
Other names: short protein forms N357S.
Identifiers: ClinVar variation 895454 (VCV000895454.9), dbSNP rs144300539, ClinGen allele CA1673425.

ClinVar aggregate classification (germline): Uncertain significance. Review status: criteria provided, multiple submitters, no conflicts (2 of 4 stars). 2 submissions from 2 submitters: Uncertain significance (2). Last evaluated 2023-11-20.

Conditions:
Peroxisome biogenesis disorder 11A (Zellweger). Also called: Peroxisome biogenesis disorder 11A. Identifiers: Orphanet 912, MedGen C3554000, MONDO:0013949, OMIM 614883.

Allele frequency attached by ClinVar (database versions not stated): gnomAD 0.00001; gnomAD exomes 0.00001; ExAC 0.00002; TOPMed 0.00002; ESP Exome Variant Server 0.00008.
gnomAD v4.1: 9 of 1,614,004 alleles (0.00056%); highest among the groups gnomAD compares: Non-Finnish European, 0.00076%; no homozygotes.

Submissions (2):

Labcorp Genetics (formerly Invitae), Labcorp
Classification: Uncertain significance for Peroxisome biogenesis disorder 11A (Zellweger). Last evaluated: 2023-11-20. Review status: criteria provided, single submitter. Criteria: Invitae Variant Classification Sherloc (09022015). Collection method: clinical testing. Allele origin: germline.
Comment: This sequence change replaces asparagine, which is neutral and polar, with serine, which is neutral and polar, at codon 357 of the PEX13 protein (p.Asn357Ser). This variant is present in population databases (rs144300539, gnomAD 0.003%). This variant has not been reported in the literature in individuals affected with PEX13-related conditions. ClinVar contains an entry for this variant (Variation ID: 895454). Advanced modeling of protein sequence and biophysical properties (such as structural, functional, and spatial information, amino acid conservation, physicochemical variation, residue mobility, and thermodynamic stability) performed at Invitae indicates that this missense variant is not expected to disrupt PEX13 protein function with a negative predictive value of 80%. In summary, the available evidence is currently insufficient to determine the role of this variant in disease. Therefore, it has been classified as a Variant of Uncertain Significance.

Illumina Laboratory Services, Illumina
Classification: Uncertain significance for Peroxisome biogenesis disorder 11A (Zellweger). Last evaluated: 2018-01-12. Review status: criteria provided, single submitter. Criteria: ICSL Variant Classification Criteria 13 December 2019. Collection method: clinical testing. Allele origin: germline.